The following is an entry in ClinVar:

NM_006648.4(WNK2):c.1966G>C (p.Val656Leu)

Gene: WNK2 (WNK lysine deficient protein kinase 2; plus strand). Cytogenetic location: 9q22.31.
Variant type: single nucleotide variant.
Coding change: c.1966G>C on transcript NM_006648.4 (MANE Select); coding-DNA position 1966, G replaced by C.
Protein change: p.Val656Leu; replaces valine 656 with leucine.
Molecular consequence: missense variant.
Genome position (GRCh38, 1-based): chr9:93,253,014, G>C. VCF-style: chr9-93253014-G-C. GRCh37 (hg19) VCF-style: chr9-96015296-G-C.
Other names: c.1966G>C, p.Val656Leu (NM_001282394.3); short protein forms V656L.
Identifiers: ClinVar variation 3816786 (VCV003816786.1).

ClinVar aggregate classification (germline): Uncertain significance (1 of 4 stars; one submission).

gnomAD v4.1: 1 of 1,554,474 alleles (0.000064%); highest among the groups gnomAD compares: Non-Finnish European, 0.000087%; no homozygotes.

Submission:

Ambry Genetics
Classification: Uncertain significance. Last evaluated: 2025-01-09. Review status: criteria provided, single submitter. Criteria: Ambry Variant Classification Scheme 2023. Collection method: clinical testing. Allele origin: germline.
Comment: The p.V656L variant (also known as c.1966G>C), located in coding exon 8 of the WNK2 gene, results from a G to C substitution at nucleotide position 1966. The valine at codon 656 is replaced by leucine, an amino acid with highly similar properties. This amino acid position is conserved. In addition, this alteration is predicted to be tolerated by in silico analysis. Based on the available evidence, the clinical significance of this variant remains unclear.